The following is an entry in ClinVar:

NM_005422.4(TECTA):c.1652T>C (p.Val551Ala)

Genes: TBCEL-TECTA (TBCEL-TECTA readthrough; plus strand), TECTA (tectorin alpha; plus strand). Cytogenetic location: 11q23.3.
Variant type: single nucleotide variant.
Coding change: c.1652T>C on transcript NM_005422.4 (MANE Select); coding-DNA position 1652, T replaced by C.
Protein change: p.Val551Ala; replaces valine 551 with alanine.
Molecular consequence: missense variant.
Genome position (GRCh38, 1-based): chr11:121,125,750, T>C. VCF-style: chr11-121125750-T-C. GRCh37 (hg19) VCF-style: chr11-120996459-T-C.
Other names: c.2609T>C, p.Val870Ala (NM_001378761.1); short protein forms V551A, V870A.
Identifiers: ClinVar variation 4685535 (VCV004685535.1).

ClinVar aggregate classification (germline): Uncertain significance (1 of 4 stars; one submission).

Conditions:
Autosomal dominant nonsyndromic hearing loss 12. Also called: DEAFNESS, AUTOSOMAL DOMINANT 8. Identifiers: Orphanet 90635, MedGen C1832187, MONDO:0011102, OMIM 601543.

Submission:

Laboratory of Prof. Karen Avraham, Tel Aviv University
Classification: Uncertain significance for Autosomal dominant nonsyndromic hearing loss 12. Last evaluated: 2026-01-13. Review status: criteria provided, single submitter. Criteria: ACMG Guidelines, 2015. Collection method: research. Allele origin: germline. Inheritance: Autosomal dominant inheritance. Affected: yes. Observed: 1 heterozygote.
Comment: TECTA is a known gene associated with both autosomal dominant and autosomal recessive hearing loss. The variant is absent from gnomAD and is predicted to be deleterious by in silico tools; however, in the absence of segregation data, it was classified as a variant of uncertain significance (VUS).